The following is an entry in ClinVar:

ClinVar aggregate classification (germline): Pathogenic (0 of 4 stars; one submission).

Conditions:
Breast-ovarian cancer, familial, susceptibility to, 1 (BROVCA1). Also called: BRCA1 Hereditary Breast and Ovarian Cancer; OVARIAN CANCER, SUSCEPTIBILITY TO. Identifiers: Orphanet 145, MedGen C2676676, MONDO:0011450, OMIM 604370. Disease mechanism: loss of function.

Submission:

MVZ Praenatalmedizin und Genetik Nuernberg
Classification: Pathogenic for Breast-ovarian cancer, familial, susceptibility to, 1. Last evaluated: 2018-12-01. Review status: no assertion criteria provided. Collection method: clinical testing. Allele origin: germline. Inheritance: Autosomal dominant inheritance. Affected: no. Observed: 1 heterozygote.
Comment: This variant results in an expected protein-alteration p.(P115*) comparable to the known pathogenic variant NM_007294:c.342_343delTC (p.P115*) (ClinVar - Expert Panel, UMD, ARUP). We therefore classify this nonsense-mutation in exon 6 to be pathogenic.

NM_007294.4(BRCA1):c.343_344del (p.Ser114_Pro115insTer)

Gene: BRCA1 (BRCA1 DNA repair associated; minus strand). Cytogenetic location: 17q21.31.
Variant type: Deletion.
Coding change: c.343_344del on transcript NM_007294.4 (MANE Select); coding-DNA positions 343 to 344, 2 bases deleted (CC; older notation c.343_344delCC).
Protein change: p.Ser114_Pro115insTer.
Molecular consequence: nonsense. On other transcripts: frameshift variant (356), non-coding transcript variant (1).
Genome position (GRCh38, 1-based): chr17:43,104,219-43,104,220, GG deleted on the plus strand (CC on the coding strand, the reverse complement: BRCA1 is on the minus strand). VCF-style (leftmost placement, unchanged base first): chr17-43104218-AGG-A. GRCh37 (hg19) VCF-style: chr17-41256235-AGG-A.
Other names: c.334_335delCC, p.Pro112Terfs (NM_001408408.1, NM_001407646.1, NM_001407647.1); c.133_134delCC, p.Pro45Terfs (NM_001407571.1, NM_001408478.1, NM_001408479.1 and 58 more transcripts); c.265_266delCC, p.Pro89Terfs (NM_001408409.1, NM_001408411.1, NM_001408412.1 and 21 more transcripts); c.343_344delCC, p.Pro115Terfs (NM_001407581.1, NM_001407582.1, NM_001407583.1 and 163 more transcripts); c.202_203delCC, p.Pro68Terfs (NM_001408410.1, NM_001408452.1, NM_001408453.1 and 98 more transcripts); c.211_212delCC, p.Pro71Terfs (NM_001408451.1); c.-39_-38delCC (NM_001408510.1, NM_001408512.1, NM_001407959.1 and 4 more transcripts); c.202_203del, p.Ser67_Pro68insTer (NM_007297.4); and 1 more.
Identifiers: ClinVar variation 599300 (VCV000599300.3), dbSNP rs1567810400, ClinGen allele CA913190487.